The following is an entry in ClinVar:

NM_001353345.2(SETD1B):c.714C>T (p.Ser238=)

Gene: SETD1B (SET domain containing 1B, histone lysine methyltransferase; plus strand). Cytogenetic location: 12q24.31.
Variant type: single nucleotide variant.
Coding change: c.714C>T on transcript NM_001353345.2 (MANE Select); coding-DNA position 714, C replaced by T.
Protein change: p.Ser238=; no amino-acid change (serine 238 retained).
Molecular consequence: synonymous variant.
Genome position (GRCh38, 1-based): chr12:121,809,659, C>T. VCF-style: chr12-121809659-C-T. GRCh37 (hg19) VCF-style: chr12-122247565-C-T.
Identifiers: ClinVar variation 4821092 (VCV004821092.5).

ClinVar aggregate classification (germline): Likely benign. Review status: criteria provided, multiple submitters, no conflicts (2 of 4 stars). 2 submissions from 2 submitters: Likely benign (2). Last evaluated 2026-01-01.

gnomAD v4.1: 16 of 1,551,550 alleles (0.001%); highest among the groups gnomAD compares: South Asian, 0.0036%; no homozygotes.

Submissions (2):

CeGaT Center for Human Genetics Tuebingen
Classification: Likely benign. Last evaluated: 2026-01-01. Review status: criteria provided, single submitter. Criteria: CeGaT Center For Human Genetics Tuebingen Variant Classification Criteria Version 2. Collection method: clinical testing. Allele origin: germline. Affected: yes. Observed: 1 variant allele.
Comment: SETD1B: BP4, BP7

Blueprint Genetics
Classification: Likely benign. Last evaluated: 2024-01-09. Review status: criteria provided, single submitter. Criteria: ACMG Guidelines, 2015. Collection method: clinical testing. Allele origin: germline.